The following is an entry in ClinVar:

ClinVar aggregate classification (germline): Uncertain significance (1 of 4 stars; one submission).

Allele frequency attached by ClinVar (database versions not stated): gnomAD exomes below 0.00001.
gnomAD v4.1: 1 of 1,600,326 alleles (0.000062%); highest among the groups gnomAD compares: East Asian, 0.0023%; no homozygotes.

Submission:

Labcorp Genetics (formerly Invitae), Labcorp
Classification: Uncertain significance. Last evaluated: 2023-07-23. Review status: criteria provided, single submitter. Criteria: Invitae Variant Classification Sherloc (09022015). Collection method: clinical testing. Allele origin: germline.
Comment: This sequence change replaces glutamic acid, which is acidic and polar, with lysine, which is basic and polar, at codon 1020 of the DIAPH3 protein (p.Glu1020Lys). This variant is not present in population databases (gnomAD no frequency). This variant has not been reported in the literature in individuals affected with DIAPH3-related conditions. An algorithm developed to predict the effect of missense changes on protein structure and function (PolyPhen-2) suggests that this variant is likely to be disruptive. In summary, the available evidence is currently insufficient to determine the role of this variant in disease. Therefore, it has been classified as a Variant of Uncertain Significance.

NM_001042517.2(DIAPH3):c.3058G>A (p.Glu1020Lys)

Gene: DIAPH3 (diaphanous related formin 3; minus strand). Cytogenetic location: 13q21.2.
Variant type: single nucleotide variant.
Coding change: c.3058G>A on transcript NM_001042517.2 (MANE Select); coding-DNA position 3058, G replaced by A.
Protein change: p.Glu1020Lys; replaces glutamic acid 1020 with lysine.
Molecular consequence: missense variant.
Genome position (GRCh38, 1-based): chr13:59,810,893, C>T on the plus strand (G>A on the coding strand, the complement: DIAPH3 is on the minus strand). VCF-style: chr13-59810893-C-T. GRCh37 (hg19) VCF-style: chr13-60385027-C-T.
Other names: c.3025G>A, p.Glu1009Lys (NM_001258366.2); c.2920G>A, p.Glu974Lys (NM_001258367.2); c.2848G>A, p.Glu950Lys (NM_001258368.2); c.3058G>A, p.Glu1020Lys (NM_001258369.2); c.2269G>A, p.Glu757Lys (NM_030932.4); short protein forms E1020K, E757K, E1009K, E950K, E974K.
Identifiers: ClinVar variation 2745964 (VCV002745964.3), dbSNP rs2502465658, ClinGen allele CA388329252.